The following is an entry in ClinVar:

ClinVar aggregate classification (germline): Pathogenic (1 of 4 stars; one submission).

Conditions:
Arrhythmogenic cardiomyopathy with wooly hair and keratoderma. Also called: PALMOPLANTAR KERATODERMA WITH LEFT VENTRICULAR CARDIOMYOPATHY AND WOOLLY HAIR; Carvajal syndrome; Dilated cardiomyopathy with woolly hair and keratoderma; Arrhythmogenic cardiomyopathy with woolly hair and keratoderma. Identifiers: Orphanet 65282, MedGen C1854063, MONDO:0011581, OMIM 605676.
Arrhythmogenic right ventricular dysplasia 8 (ARVD8). Also called: Arrhythmogenic Right Ventricular Dysplasia/Cardiomyopathy 8; ARRHYTHMOGENIC RIGHT VENTRICULAR DYSPLASIA, FAMILIAL, 8; ARRHYTHMOGENIC RIGHT VENTRICULAR CARDIOMYOPATHY 8. Identifiers: MedGen C1843896, MONDO:0011831, OMIM 607450.

Submission:

Labcorp Genetics (formerly Invitae), Labcorp
Classification: Pathogenic for Arrhythmogenic cardiomyopathy with wooly hair and keratoderma; Arrhythmogenic right ventricular dysplasia 8. Last evaluated: 2024-08-31. Review status: criteria provided, single submitter. Criteria: Invitae Variant Classification Sherloc (09022015). Collection method: clinical testing. Allele origin: germline.
Comment: This sequence change creates a premature translational stop signal (p.Glu721*) in the DSP gene. It is expected to result in an absent or disrupted protein product. Loss-of-function variants in DSP are known to be pathogenic (PMID: 20716751, 24503780, 25227139). This variant is not present in population databases (gnomAD no frequency). This variant has not been reported in the literature in individuals affected with DSP-related conditions. Algorithms developed to predict the effect of sequence changes on RNA splicing suggest that this variant may disrupt the consensus splice site. For these reasons, this variant has been classified as Pathogenic.

Literature cited by the submitters: PubMed 20716751; PubMed 24503780; PubMed 25227139.

NM_004415.4(DSP):c.2161G>T (p.Glu721Ter)

Gene: DSP (desmoplakin; plus strand). Cytogenetic location: 6p24.3.
Variant type: single nucleotide variant.
Coding change: c.2161G>T on transcript NM_004415.4 (MANE Select); coding-DNA position 2161, G replaced by T.
Protein change: p.Glu721Ter; replaces glutamic acid 721 with a stop codon.
Molecular consequence: nonsense.
Genome position (GRCh38, 1-based): chr6:7,574,116, G>T. VCF-style: chr6-7574116-G-T. GRCh37 (hg19) VCF-style: chr6-7574349-G-T.
Other names: c.2161G>T, p.Glu721Ter (NM_001008844.3, NM_001319034.2); short protein forms E721*.
Identifiers: ClinVar variation 3757762 (VCV003757762.2).
Genomic context (GRCh38, chr6:7,574,116, plus strand): 5'-ATCAAAAGAGCTTTCCTTCATTTTTGACAGAGTGTGCAGAATGATTCACAAGCAATTGCT[G>T]AGGTTCTCAACCAGCTTAAAGATATGCTTGCCAACTTCAGAGGTTCTGAAAAGTACTGCT-3'